The following is an entry in ClinVar:

NM_004168.4(SDHA):c.1591G>A (p.Val531Met)

Gene: SDHA (succinate dehydrogenase complex flavoprotein subunit A; plus strand). Cytogenetic location: 5p15.33.
Variant type: single nucleotide variant.
Coding change: c.1591G>A on transcript NM_004168.4 (MANE Select); coding-DNA position 1591, G replaced by A.
Protein change: p.Val531Met; replaces valine 531 with methionine.
Molecular consequence: missense variant. On other transcripts: intron variant (1).
Genome position (GRCh38, 1-based): chr5:251,031, G>A. VCF-style: chr5-251031-G-A. GRCh37 (hg19) VCF-style: chr5-251146-G-A.
Other names: p.Val531Met; c.1447G>A, p.Val483Met (NM_001294332.2); c.1552-3362G>A (NM_001330758.2); short protein forms V531M, V483M.
Identifiers: ClinVar variation 212143 (VCV000212143.41), dbSNP rs371056571, ClinGen allele CA206847.

ClinVar aggregate classification (germline): Uncertain significance. Review status: criteria provided, multiple submitters, no conflicts (2 of 4 stars). 10 submissions from 10 submitters: Uncertain significance (9). 1 of the submissions does not count toward it. Last evaluated 2026-01-26.

Conditions:
Mitochondrial complex II deficiency, nuclear type 1. Also called: SUCCINATE CoQ REDUCTASE DEFICIENCY. Identifiers: Orphanet 3208, MedGen C5700310, MONDO:0100294, OMIM 252011.
Pheochromocytoma/paraganglioma syndrome 5. Also called: Paragangliomas 5; SDHA-Related Hereditary Paraganglioma-Pheochromocytoma Syndrome. Identifiers: Orphanet 29072, MedGen C3279992, MONDO:0013602, OMIM 614165.
Hereditary cancer-predisposing syndrome. Also called: Hereditary Cancer Syndrome; Hereditary neoplastic syndrome; Neoplastic Syndromes, Hereditary; Tumor predisposition. Identifiers: Orphanet 140162, MedGen C0027672, MeSH D009386, MONDO:0015356.
Dilated cardiomyopathy 1GG (CMD1GG). Identifiers: Orphanet 154, MedGen C3150898, MONDO:0013339, OMIM 613642.

Allele frequency attached by ClinVar (database versions not stated): gnomAD exomes 0.00002 and 0.00006; ExAC 0.00006; TOPMed 0.00007; ESP Exome Variant Server 0.00008; gnomAD 0.00009.
gnomAD v4.1: 41 of 1,611,924 alleles (0.0025%); highest among the groups gnomAD compares: African/African-American, 0.024%; no homozygotes.

Submissions (10):

Labcorp Genetics (formerly Invitae), Labcorp
Classification: Uncertain significance for Pheochromocytoma/paraganglioma syndrome 5; Mitochondrial complex II deficiency, nuclear type 1. Last evaluated: 2026-01-26. Review status: criteria provided, single submitter. Criteria: Invitae Variant Classification Sherloc (09022015). Collection method: clinical testing. Allele origin: germline.
Comment: This sequence change replaces valine, which is neutral and non-polar, with methionine, which is neutral and non-polar, at codon 531 of the SDHA protein (p.Val531Met). This variant is present in population databases (rs371056571, gnomAD 0.05%). This variant has not been reported in the literature in individuals affected with SDHA-related conditions. ClinVar contains an entry for this variant (Variation ID: 212143). Invitae Evidence Modeling of protein sequence and biophysical properties (such as structural, functional, and spatial information, amino acid conservation, physicochemical variation, residue mobility, and thermodynamic stability) indicates that this missense variant is not expected to disrupt SDHA protein function with a negative predictive value of 95%. In summary, the available evidence is currently insufficient to determine the role of this variant in disease. Therefore, it has been classified as a Variant of Uncertain Significance.

Ambry Genetics
Classification: Uncertain significance for Hereditary cancer-predisposing syndrome. Last evaluated: 2025-07-15. Review status: criteria provided, single submitter. Criteria: Ambry Variant Classification Scheme 2023. Collection method: clinical testing. Allele origin: germline.
Comment: The p.V531M variant (also known as c.1591G>A), located in coding exon 12 of the SDHA gene, results from a G to A substitution at nucleotide position 1591. The valine at codon 531 is replaced by methionine, an amino acid with highly similar properties. This amino acid position is highly conserved in available vertebrate species. In addition, the in silico prediction for this alteration is inconclusive. Based on the available evidence, the clinical significance of this variant remains unclear.

GeneDx
Classification: Uncertain significance. Last evaluated: 2024-04-19. Review status: criteria provided, single submitter. Criteria: GeneDx Variant Classification Process June 2021. Collection method: clinical testing. Allele origin: germline. Affected: yes.
Comment: In silico analysis indicates that this missense variant does not alter protein structure/function; Observed in a pediatric patient with an unspecified cancer (PMID: 30455982); This variant is associated with the following publications: (PMID: 30455982)

Quest Diagnostics Nichols Institute San Juan Capistrano
Classification: Uncertain significance. Last evaluated: 2024-02-26. Review status: criteria provided, single submitter. Criteria: Quest Diagnostics criteria. Collection method: clinical testing. Allele origin: unknown.
Comment: The SDHA c.1591G>A (p.Val531Met) variant has been reported in the published literature in an individual affected with a pediatric tumor (PMID: 30455982 (2018)). The frequency of this variant in the general population, 0.00044 (11/24966 chromosomes in African/African American subpopulation (Genome Aggregation Database)), is higher than would generally be expected for pathogenic variants in this gene. Analysis of this variant using bioinformatics tools for the prediction of the effect of amino acid changes on protein structure and function yielded predictions that this variant is benign. Based on the available information, we are unable to determine the clinical significance of this variant.

Baylor Genetics
Classification: Uncertain significance for Dilated cardiomyopathy 1GG. Last evaluated: 2023-11-29. Review status: criteria provided, single submitter. Criteria: ACMG Guidelines, 2015. Collection method: clinical testing. Allele origin: unknown.

Mayo Clinic Laboratories, Mayo Clinic
Classification: Uncertain significance. Last evaluated: 2023-06-16. Review status: criteria provided, single submitter. Criteria: ACMG Guidelines, 2015. Collection method: clinical testing. Allele origin: germline. Observed: 4 variant alleles.

Myriad Genetics, Inc.
Classification: Uncertain significance for Pheochromocytoma/paraganglioma syndrome 5. Last evaluated: 2023-04-24. Review status: criteria provided, single submitter. Criteria: Myriad Autosomal Dominant, Autosomal Recessive and X-Linked Classification Criteria (2023). Collection method: clinical testing. Allele origin: unknown.
Comment: This variant is classified as a variant of uncertain significance as there is insufficient evidence to determine its impact on protein function and/or cancer risk.

Sema4
Classification: Uncertain significance for Hereditary cancer-predisposing syndrome. Last evaluated: 2022-02-13. Review status: criteria provided, single submitter. Criteria: Sema4 Curation Guidelines. Collection method: curation. Allele origin: germline.
Comment: The SDHA c.1591G>A (p.V531M) variant has been reported in heterozygosity in at least one pediatric individual with an unspecified cancer (PMID: 30455982). This variant was observed in 11/24966 chromosomes in the African/African American population, with no homozygotes, according to the Genome Aggregation Database (PMID: 32461654). The variant has been reported in ClinVar (Variation ID: 212143). Functional studies have not been performed, and in silico predictions of the variant's effect on protein function are inconclusive. The evidence is insufficient to meet ACMG/AMP criteria for classifying the variant as benign or pathogenic. Thus, the clinical significance of this variant is currently uncertain.

Genetic Services Laboratory, University of Chicago
Classification: Uncertain significance. Last evaluated: 2015-07-14. Review status: criteria provided, single submitter. Criteria: ACMG Guidelines, 2015. Collection method: clinical testing. Allele origin: germline.

Counsyl
Classification: Uncertain significance for Pheochromocytoma/paraganglioma syndrome 5. Last evaluated: 2015-12-11. Review status: no assertion criteria provided. Collection method: clinical testing. Allele origin: unknown. Not counted in ClinVar's aggregate classification.

Literature cited by the submitters: PubMed 30455982 (cited by Quest Diagnostics Nichols Institute San Juan Capistrano and Sema4).